The following is an entry in ClinVar:

ClinVar aggregate classification (germline): Uncertain significance. Review status: criteria provided, multiple submitters, no conflicts (2 of 4 stars). 2 submissions from 2 submitters: Uncertain significance (2). Last evaluated 2025-10-06.

Conditions:
Cardiovascular phenotype. Identifiers: MedGen CN230736.
3-Methylglutaconic aciduria type 2 (BTHS). Also called: CARDIOSKELETAL MYOPATHY WITH NEUTROPENIA AND ABNORMAL MITOCHONDRIA; Barth syndrome. Identifiers: Orphanet 111, MedGen C0574083, MONDO:0010543, OMIM 302060.

Allele frequency attached by ClinVar (database versions not stated): gnomAD exomes below 0.00001; ExAC 0.00001; gnomAD 0.00001.
gnomAD v4.1: 3 of 1,211,257 alleles (0.00025%); highest among the groups gnomAD compares: Non-Finnish European, 0.00034%; no homozygotes.

Submissions (3):

Labcorp Genetics (formerly Invitae), Labcorp
Classification: Uncertain significance for 3-Methylglutaconic aciduria type 2. Last evaluated: 2025-10-06. Review status: criteria provided, single submitter. Criteria: Invitae Variant Classification Sherloc (09022015). Collection method: clinical testing. Allele origin: germline.
Comment: This sequence change falls in intron 6 of the TAZ gene. It does not directly change the encoded amino acid sequence of the TAZ protein. It affects a nucleotide within the consensus splice site. This variant is present in population databases (rs781795144, gnomAD 0.001%). This variant has not been reported in the literature in individuals affected with TAZ-related conditions. ClinVar contains an entry for this variant (Variation ID: 1800048). Variants that disrupt the consensus splice site are a relatively common cause of aberrant splicing (PMID: 17576681, 9536098). Algorithms developed to predict the effect of sequence changes on RNA splicing suggest that this variant may disrupt the consensus splice site. In summary, the available evidence is currently insufficient to determine the role of this variant in disease. Therefore, it has been classified as a Variant of Uncertain Significance.

Ambry Genetics
Classification: Uncertain significance for Cardiovascular phenotype. Last evaluated: 2023-05-31. Review status: criteria provided, single submitter. Criteria: Ambry Variant Classification Scheme 2023. Collection method: clinical testing. Allele origin: germline.
Comment: The c.542-3C>T intronic variant results from a C to T substitution 3 nucleotides upstream from coding exon 7 in the TAZ gene. Based on data from gnomAD, the T allele has an overall frequency of 0.0005% (1/183471) total alleles studied, with 0 hemizygote(s) observed. The highest observed frequency was 0.0012% (1/81932) of European (non-Finnish) alleles. This nucleotide position is not well conserved in available vertebrate species. In silico splice site analysis for this alteration is inconclusive. Since supporting evidence is limited at this time, the clinical significance of this alteration remains unclear.

Dr. Peter K. Rogan Lab, Western University
No classification provided (evidence only). Condition: Adrenocortical carcinoma, hereditary. Review status: no classification provided. Collection method: in vitro. Allele origin: not applicable. Functional consequence: retained intron. Not counted in ClinVar's aggregate classification.

Literature cited by the submitters: PubMed 17576681 (cited by Labcorp Genetics (formerly Invitae), Labcorp); PubMed 9536098 (cited by Labcorp Genetics (formerly Invitae), Labcorp).

NM_000116.5(TAFAZZIN):c.542-3C>T

Gene: TAFAZZIN (tafazzin, phospholipid-lysophospholipid transacylase; plus strand). Cytogenetic location: Xq28.
Variant type: single nucleotide variant.
Coding change: c.542-3C>T on transcript NM_000116.5 (MANE Select); 3 bases into the intron before coding-DNA position 542, C replaced by T.
Molecular consequence: intron variant.
Genome position (GRCh38, 1-based): chrX:154,419,702, C>T. VCF-style: chrX-154419702-C-T. GRCh37 (hg19) VCF-style: chrX-153648041-C-T.
Other names: c.595+79C>T (NM_001303465.2); c.541+79C>T (NM_181312.4); c.452-3C>T (NM_181311.4); c.451+79C>T (NM_181313.4).
Identifiers: ClinVar variation 1800048 (VCV001800048.9), dbSNP rs781795144, ClinGen allele CA10562372.